The following is an entry in ClinVar:

NM_001291303.3(FAT4):c.9299T>A (p.Ile3100Asn)

Gene: FAT4 (FAT atypical cadherin 4; plus strand). Cytogenetic location: 4q28.1.
Variant type: single nucleotide variant.
Coding change: c.9299T>A on transcript NM_001291303.3 (MANE Select); coding-DNA position 9299, T replaced by A.
Protein change: p.Ile3100Asn; replaces isoleucine 3100 with asparagine.
Molecular consequence: missense variant.
Genome position (GRCh38, 1-based): chr4:125,450,309, T>A. VCF-style: chr4-125450309-T-A. GRCh37 (hg19) VCF-style: chr4-126371464-T-A.
Other names: c.9299T>A, p.Ile3100Asn (NM_001291285.3); c.9293T>A, p.Ile3098Asn (NM_024582.6); short protein forms I3098N, I3100N.
Identifiers: ClinVar variation 3637027 (VCV003637027.2).

ClinVar aggregate classification (germline): Uncertain significance (1 of 4 stars; one submission).

gnomAD v4.1: 4 of 1,614,050 alleles (0.00025%); highest among the groups gnomAD compares: Non-Finnish European, 0.00034%; no homozygotes.

Submission:

Labcorp Genetics (formerly Invitae), Labcorp
Classification: Uncertain significance. Last evaluated: 2024-03-13. Review status: criteria provided, single submitter. Criteria: Invitae Variant Classification Sherloc (09022015). Collection method: clinical testing. Allele origin: germline.
Comment: This sequence change replaces isoleucine, which is neutral and non-polar, with asparagine, which is neutral and polar, at codon 3098 of the FAT4 protein (p.Ile3098Asn). This variant is not present in population databases (gnomAD no frequency). This variant has not been reported in the literature in individuals affected with FAT4-related conditions. Advanced modeling of protein sequence and biophysical properties (such as structural, functional, and spatial information, amino acid conservation, physicochemical variation, residue mobility, and thermodynamic stability) performed at Invitae indicates that this missense variant is expected to disrupt FAT4 protein function with a positive predictive value of 95%. In summary, the available evidence is currently insufficient to determine the role of this variant in disease. Therefore, it has been classified as a Variant of Uncertain Significance.